The following is an entry in ClinVar:

ClinVar aggregate classification (germline): Pathogenic/Likely pathogenic. Review status: criteria provided, multiple submitters, no conflicts (2 of 4 stars). 2 submissions from 2 submitters: Pathogenic (1); Likely pathogenic (1). Last evaluated 2025-02-03.

Conditions:
Hennekam lymphangiectasia-lymphedema syndrome 2 (HKLLS2). Identifiers: Orphanet 2136, MedGen C4014939, MONDO:0014454, OMIM 616006.
Van Maldergem syndrome 2 (VMLDS2). Identifiers: Orphanet 314679, MedGen C3809875, MONDO:0014242, OMIM 615546.

gnomAD v4.1: 3 of 1,612,514 alleles (0.00019%); highest among the groups gnomAD compares: Non-Finnish European, 0.00025%; no homozygotes.

Submissions (2):

GeneDx
Classification: Pathogenic. Last evaluated: 2025-02-03. Review status: criteria provided, single submitter. Criteria: GeneDx Variant Classification Process June 2021. Collection method: clinical testing. Allele origin: germline. Affected: yes.
Comment: Nonsense variant predicted to result in protein truncation or nonsense mediated decay in a gene for which loss-of-function is a known mechanism of disease; Not observed at significant frequency in large population cohorts (gnomAD); Has not been previously published as pathogenic or benign to our knowledge

Fulgent Genetics
Classification: Likely pathogenic for Van Maldergem syndrome 2; Hennekam lymphangiectasia-lymphedema syndrome 2. Last evaluated: 2024-01-10. Review status: criteria provided, single submitter. Criteria: ACMG Guidelines, 2015. Collection method: clinical testing. Allele origin: germline.

NM_001291303.3(FAT4):c.5704C>T (p.Arg1902Ter)

Gene: FAT4 (FAT atypical cadherin 4; plus strand). Cytogenetic location: 4q28.1.
Variant type: single nucleotide variant.
Coding change: c.5704C>T on transcript NM_001291303.3 (MANE Select); coding-DNA position 5704, C replaced by T.
Protein change: p.Arg1902Ter; replaces arginine 1902 with a stop codon.
Molecular consequence: nonsense.
Genome position (GRCh38, 1-based): chr4:125,408,578, C>T. VCF-style: chr4-125408578-C-T. GRCh37 (hg19) VCF-style: chr4-126329733-C-T.
Other names: c.5704C>T (NM_024582.5, NM_024582.4); c.5704C>T, p.Arg1902Ter (NM_001291285.3, NM_024582.6); short protein forms R1902*.
Identifiers: ClinVar variation 3589971 (VCV003589971.2).
Genomic context (GRCh38, chr4:125,408,578, plus strand): 5'-GAAGATGATGAAGATGGCATCTTTTTCCTGAATCCTATTACTGGGGTCTTTAATTTGACT[C>T]GATTATTAGATTATGAAGTACAGCAATATTATATCCTCACTGTTCGAGCAGAAGATGGTG-3'